The following is an entry in ClinVar:

ClinVar aggregate classification (germline): Likely pathogenic (1 of 4 stars; one submission).

Allele frequency attached by ClinVar (database versions not stated): gnomAD exomes below 0.00001; TOPMed below 0.00001.
gnomAD v4.1: 2 of 1,613,600 alleles (0.00012%); highest among the groups gnomAD compares: East Asian, 0.0022%; no homozygotes.

Submission:

Labcorp Genetics (formerly Invitae), Labcorp
Classification: Likely pathogenic. Last evaluated: 2022-03-28. Review status: criteria provided, single submitter. Criteria: Invitae Variant Classification Sherloc (09022015). Collection method: clinical testing. Allele origin: germline.
Comment: Algorithms developed to predict the effect of sequence changes on RNA splicing suggest that this variant may disrupt the consensus splice site. This variant has not been reported in the literature in individuals affected with TRPM1-related conditions. This variant is not present in population databases (gnomAD no frequency). This sequence change affects a donor splice site in intron 15 of the TRPM1 gene. It is expected to disrupt RNA splicing. Variants that disrupt the donor or acceptor splice site typically lead to a loss of protein function (PMID: 16199547), and loss-of-function variants in TRPM1 are known to be pathogenic (PMID: 19896113, 19966281, 20300565). In summary, the currently available evidence indicates that the variant is pathogenic, but additional data are needed to prove that conclusively. Therefore, this variant has been classified as Likely Pathogenic.

Literature cited by the submitters: PubMed 16199547; PubMed 19896113; PubMed 19966281; PubMed 20300565.

NM_001252024.2(TRPM1):c.1794+1G>A

Gene: TRPM1 (transient receptor potential cation channel subfamily M member 1; minus strand). Cytogenetic location: 15q13.3.
Variant type: single nucleotide variant.
Coding change: c.1794+1G>A on transcript NM_001252024.2 (MANE Select); the canonical splice donor site of the intron after coding-DNA position 1794, G replaced by A.
Molecular consequence: splice donor variant.
Genome position (GRCh38, 1-based): chr15:31,046,203, C>T on the plus strand (G>A on the coding strand, the complement: TRPM1 is on the minus strand). VCF-style: chr15-31046203-C-T. GRCh37 (hg19) VCF-style: chr15-31338406-C-T.
Other names: c.1845+1G>A (NM_001252020.2); c.1728+1G>A (NM_002420.6).
Identifiers: ClinVar variation 2118429 (VCV002118429.4), dbSNP rs2033756985, ClinGen allele CA391514106.